The following is an entry in ClinVar:

ClinVar aggregate classification (germline): Likely benign. Review status: criteria provided, single submitter (1 of 4 stars). 2 submissions from 2 submitters: Likely benign (1). 1 of the submissions does not count toward it. Last evaluated 2023-04-07.

Conditions:
CEBPA-related disorder. Also called: CEBPA-related condition.
Acute myeloid leukemia (AML). Also called: Leukemia, acute myeloid, somatic; Leukemia, acute myelogenous, somatic; Acute myeloid leukemia, adult; AML adult; Acute non-lymphocytic leukemia; Acute granulocytic leukemia. Identifiers: Orphanet 519, MedGen C0023467, MeSH D015470, MONDO:0018874, OMIM 601626, HP:0004808. Disease mechanism: Constitutively activated FLT3.

Allele frequency attached by ClinVar (database versions not stated): TOPMed 0.00002.
gnomAD v4.1: 1 of 1,167,726 alleles (0.000086%); no homozygotes.

Submissions (2):

Labcorp Genetics (formerly Invitae), Labcorp
Classification: Likely benign for Acute myeloid leukemia. Last evaluated: 2023-04-07. Review status: criteria provided, single submitter. Criteria: Invitae Variant Classification Sherloc (09022015). Collection method: clinical testing. Allele origin: germline.

PreventionGenetics, part of Exact Sciences
Classification: Likely benign for CEBPA-related condition. Last evaluated: 2022-11-13. Review status: no assertion criteria provided. Collection method: clinical testing. Allele origin: germline. Not counted in ClinVar's aggregate classification.
Comment: This variant is classified as likely benign based on ACMG/AMP sequence variant interpretation guidelines (Richards et al. 2015 PMID: 25741868, with internal and published modifications).

NM_004364.5(CEBPA):c.723C>G (p.Leu241=)

Gene: CEBPA (CCAAT enhancer binding protein alpha; minus strand). Cytogenetic location: 19q13.11.
Variant type: single nucleotide variant.
Coding change: c.723C>G on transcript NM_004364.5 (MANE Select); coding-DNA position 723, C replaced by G.
Protein change: p.Leu241=; no amino-acid change (leucine 241 retained).
Molecular consequence: synonymous variant.
Genome position (GRCh38, 1-based): chr19:33,301,692, G>C on the plus strand (C>G on the coding strand, the complement: CEBPA is on the minus strand). VCF-style: chr19-33301692-G-C. GRCh37 (hg19) VCF-style: chr19-33792598-G-C.
Other names: c.366C>G, p.Leu122= (NM_001285829.2); c.828C>G, p.Leu276= (NM_001287424.2); c.681C>G, p.Leu227= (NM_001287435.2).
Identifiers: ClinVar variation 767364 (VCV000767364.13), dbSNP rs1408787997, ClinGen allele CA507007159.